The following is an entry in ClinVar:

ClinVar aggregate classification (germline): Uncertain significance (1 of 4 stars; one submission).

Allele frequency attached by ClinVar (database versions not stated): gnomAD exomes 0.00001 and 0.00002; ExAC 0.00002.
gnomAD v4.1: 4 of 1,597,700 alleles (0.00025%); highest among the groups gnomAD compares: Admixed American, 0.0067%; no homozygotes.

Submission:

Labcorp Genetics (formerly Invitae), Labcorp
Classification: Uncertain significance. Last evaluated: 2022-07-26. Review status: criteria provided, single submitter. Criteria: Invitae Variant Classification Sherloc (09022015). Collection method: clinical testing. Allele origin: germline.
Comment: This sequence change replaces tyrosine, which is neutral and polar, with cysteine, which is neutral and slightly polar, at codon 605 of the SZT2 protein (p.Tyr605Cys). This variant is present in population databases (rs771205806, gnomAD 0.01%). This variant has not been reported in the literature in individuals affected with SZT2-related conditions. ClinVar contains an entry for this variant (Variation ID: 1422973). Algorithms developed to predict the effect of missense changes on protein structure and function are either unavailable or do not agree on the potential impact of this missense change (SIFT: "Tolerated"; PolyPhen-2: "Probably Damaging"; Align-GVGD: "Class C0"). In summary, the available evidence is currently insufficient to determine the role of this variant in disease. Therefore, it has been classified as a Variant of Uncertain Significance.

NM_001365999.1(SZT2):c.1814A>G (p.Tyr605Cys)

Gene: SZT2 (SZT2 subunit of KICSTOR complex; plus strand). Cytogenetic location: 1p34.2.
Variant type: single nucleotide variant.
Coding change: c.1814A>G on transcript NM_001365999.1 (MANE Select); coding-DNA position 1814, A replaced by G.
Protein change: p.Tyr605Cys; replaces tyrosine 605 with cysteine.
Molecular consequence: missense variant.
Genome position (GRCh38, 1-based): chr1:43,422,524, A>G. VCF-style: chr1-43422524-A-G. GRCh37 (hg19) VCF-style: chr1-43888195-A-G.
Other names: c.1814A>G, p.Tyr605Cys (NM_015284.4); short protein forms Y605C.
Identifiers: ClinVar variation 1422973 (VCV001422973.5), dbSNP rs771205806, ClinGen allele CA808522.